The following is an entry in ClinVar:

ClinVar aggregate classification (germline): Conflicting classifications of pathogenicity. Review status: criteria provided, conflicting classifications (1 of 4 stars). 3 submissions from 3 submitters: Uncertain significance (2); Likely benign (1). Last evaluated 2023-11-13.

Allele frequency attached by ClinVar (database versions not stated): gnomAD exomes 0.00001; ExAC 0.00002.
gnomAD v4.1: 9 of 1,613,362 alleles (0.00056%); highest among the groups gnomAD compares: South Asian, 0.0033%; no homozygotes.

Submissions (3):

GeneDx
Classification: Uncertain significance. Last evaluated: 2023-11-13. Review status: criteria provided, single submitter. Criteria: GeneDx Variant Classification Process June 2021. Collection method: clinical testing. Allele origin: germline. Affected: yes.
Comment: Has not been previously published as pathogenic or benign to our knowledge; Not observed at significant frequency in large population cohorts (gnomAD); In silico analysis supports that this missense variant does not alter protein structure/function

Labcorp Genetics (formerly Invitae), Labcorp
Classification: Likely benign. Last evaluated: 2023-05-31. Review status: criteria provided, single submitter. Criteria: Invitae Variant Classification Sherloc (09022015). Collection method: clinical testing. Allele origin: germline.

Blueprint Genetics
Classification: Uncertain significance. Last evaluated: 2017-09-18. Review status: criteria provided, single submitter. Criteria: ACMG Guidelines, 2015. Collection method: clinical testing. Allele origin: germline.

NM_001854.4(COL11A1):c.2122A>G (p.Ile708Val)

Gene: COL11A1 (collagen type XI alpha 1 chain; minus strand). Cytogenetic location: 1p21.1.
Variant type: single nucleotide variant.
Coding change: c.2122A>G on transcript NM_001854.4 (MANE Select); coding-DNA position 2122, A replaced by G.
Protein change: p.Ile708Val; replaces isoleucine 708 with valine.
Molecular consequence: missense variant. On other transcripts: non-coding transcript variant (1).
Genome position (GRCh38, 1-based): chr1:103,001,945, T>C on the plus strand (A>G on the coding strand, the complement: COL11A1 is on the minus strand). VCF-style: chr1-103001945-T-C. GRCh37 (hg19) VCF-style: chr1-103467501-T-C.
Other names: c.1774A>G, p.Ile592Val (NM_001168249.1, NM_080630.4); c.2005A>G, p.Ile669Val (NM_001190709.2); c.2158A>G, p.Ile720Val (NM_080629.3); c.2122A>G (NM_001854.3); short protein forms I708V, I720V, I592V, I669V.
Identifiers: ClinVar variation 2893851 (VCV002893851.5), dbSNP rs772339760, ClinGen allele CA974602.